The following is an entry in ClinVar:

NM_005612.5(REST):c.92A>G (p.Tyr31Cys)

Gene: REST (RE1 silencing transcription factor; plus strand). Cytogenetic location: 4q12.
Variant type: single nucleotide variant.
Coding change: c.92A>G on transcript NM_005612.5 (MANE Select); coding-DNA position 92, A replaced by G.
Protein change: p.Tyr31Cys; replaces tyrosine 31 with cysteine.
Molecular consequence: missense variant.
Genome position (GRCh38, 1-based): chr4:56,910,730, A>G. VCF-style: chr4-56910730-A-G. GRCh37 (hg19) VCF-style: chr4-57776896-A-G.
Other names: c.92A>G, p.Tyr31Cys (NM_001193508.2, NM_001363453.3); short protein forms Y31C.
Identifiers: ClinVar variation 1038400 (VCV001038400.8), dbSNP rs967744114, ClinGen allele CA357002633.

ClinVar aggregate classification (germline): Uncertain significance (1 of 4 stars; one submission).

Allele frequency attached by ClinVar (database versions not stated): gnomAD exomes below 0.00001.
gnomAD v4.1: 2 of 1,614,218 alleles (0.00012%); highest among the groups gnomAD compares: Non-Finnish European, 0.00017%; no homozygotes.

Submission:

Labcorp Genetics (formerly Invitae), Labcorp
Classification: Uncertain significance. Last evaluated: 2020-11-05. Review status: criteria provided, single submitter. Criteria: Invitae Variant Classification Sherloc (09022015). Collection method: clinical testing. Allele origin: germline.
Comment: This variant has not been reported in the literature in individuals with REST-related conditions. This variant is not present in population databases (ExAC no frequency). This sequence change replaces tyrosine with cysteine at codon 31 of the REST protein (p.Tyr31Cys). The tyrosine residue is highly conserved and there is a large physicochemical difference between tyrosine and cysteine. Algorithms developed to predict the effect of missense changes on protein structure and function are either unavailable or do not agree on the potential impact of this missense change (SIFT: "Deleterious"; PolyPhen-2: "Probably Damaging"; Align-GVGD: "Class C0"). In summary, the available evidence is currently insufficient to determine the role of this variant in disease. Therefore, it has been classified as a Variant of Uncertain Significance.